The following is an entry in ClinVar:

ClinVar aggregate classification (germline): Uncertain significance (1 of 4 stars; one submission).

Allele frequency attached by ClinVar (database versions not stated): gnomAD exomes below 0.00001; TOPMed below 0.00001.

Submission:

GeneDx
Classification: Uncertain significance. Last evaluated: 2017-06-13. Review status: criteria provided, single submitter. Criteria: GeneDx Variant Classification (06012015). Collection method: clinical testing. Allele origin: germline. Affected: yes.
Comment: A variant of uncertain significance has been identified in the TBC1D20 gene. The D353E variant has not been published as a pathogenic variant, nor has it been reported as a benign variant to our knowledge. The D353E variant is not observed in large population cohorts (Lek et al., 2016; 1000 Genomes Consortium et al., 2015; Exome Variant Server). The D353E variant is a conservative amino acid substitution, which is not likely to impact secondary protein structure as these residues share similar properties. This substitution occurs at a position that is not conserved and in silico analysis predicts this variant likely does not alter the protein structure/function. Therefore, based on the currently available information, it is unclear whether this variant is a pathogenic variant or a rare benign variant.

NM_144628.4(TBC1D20):c.1059T>G (p.Asp353Glu)

Gene: TBC1D20 (TBC1 domain family member 20; minus strand). Cytogenetic location: 20p13.
Variant type: single nucleotide variant.
Coding change: c.1059T>G on transcript NM_144628.4 (MANE Select); coding-DNA position 1059, T replaced by G.
Protein change: p.Asp353Glu; replaces aspartic acid 353 with glutamic acid.
Molecular consequence: missense variant. On other transcripts: non-coding transcript variant (1).
Genome position (GRCh38, 1-based): chr20:438,739, A>C on the plus strand (T>G on the coding strand, the complement: TBC1D20 is on the minus strand). VCF-style: chr20-438739-A-C. GRCh37 (hg19) VCF-style: chr20-419383-A-C.
Other names: short protein forms D353E.
Identifiers: ClinVar variation 432573 (VCV000432573.2), dbSNP rs1429016744, ClinGen allele CA407942590.